The following is an entry in ClinVar:

NM_001379291.1(BRD4):c.1745A>G (p.Asn582Ser)

Gene: BRD4 (bromodomain containing 4; minus strand). Cytogenetic location: 19p13.12.
Variant type: single nucleotide variant.
Coding change: c.1745A>G on transcript NM_001379291.1 (MANE Select); coding-DNA position 1745, A replaced by G.
Protein change: p.Asn582Ser; replaces asparagine 582 with serine.
Molecular consequence: missense variant.
Genome position (GRCh38, 1-based): chr19:15,256,070, T>C on the plus strand (A>G on the coding strand, the complement: BRD4 is on the minus strand). VCF-style: chr19-15256070-T-C. GRCh37 (hg19) VCF-style: chr19-15366881-T-C.
Other names: c.1745A>G (NM_058243.2); c.1745A>G, p.Asn582Ser (NM_001330384.2, NM_001379292.1, NM_014299.3 and 1 more transcripts); short protein forms N582S.
Identifiers: ClinVar variation 1972903 (VCV001972903.6), dbSNP rs201063437, ClinGen allele CA9265296.
Genomic context (GRCh38, chr19:15,256,070, plus strand): 5'-GAGCAAGCCCTGGAAGGAGGGTCCCCACCCAGGACAAATTCAGGGGACACAGACCTCACA[T>C]TGCTGTTGCTGCTATTATTTTTCTTCGTCTTTTTAGGAGGAGGTTCCTTGGCTTTGCTTT-3'
Protein context (NP_001366220.1, residues 572-592): KTKKNNSSNS[Asn582Ser]VSKKEPAPMK

ClinVar aggregate classification (germline): Conflicting classifications of pathogenicity. Review status: criteria provided, conflicting classifications (1 of 4 stars). 2 submissions from 2 submitters: Uncertain significance (1); Likely benign (1). Last evaluated 2025-01-21.

Conditions:
Inborn genetic diseases. Identifiers: MedGen C0950123, MeSH D030342.

Allele frequency attached by ClinVar (database versions not stated): TOPMed below 0.00001; gnomAD 0.00002; gnomAD exomes 0.00003.
gnomAD v4.1: 52 of 1,611,216 alleles (0.0032%); highest among the groups gnomAD compares: South Asian, 0.042%; no homozygotes.

Submissions (2):

Labcorp Genetics (formerly Invitae), Labcorp
Classification: Uncertain significance. Last evaluated: 2025-01-21. Review status: criteria provided, single submitter. Criteria: Invitae Variant Classification Sherloc (09022015). Collection method: clinical testing. Allele origin: germline.
Comment: This sequence change replaces asparagine, which is neutral and polar, with serine, which is neutral and polar, at codon 582 of the BRD4 protein (p.Asn582Ser). This variant is present in population databases (rs201063437, gnomAD 0.05%), and has an allele count higher than expected for a pathogenic variant. This variant has not been reported in the literature in individuals affected with BRD4-related conditions. ClinVar contains an entry for this variant (Variation ID: 1972903). An algorithm developed to predict the effect of missense changes on protein structure and function outputs the following: PolyPhen-2: "Benign". The serine amino acid residue is found in multiple mammalian species, which suggests that this missense change does not adversely affect protein function. In summary, the available evidence is currently insufficient to determine the role of this variant in disease. Therefore, it has been classified as a Variant of Uncertain Significance.

Ambry Genetics
Classification: Likely benign for Inborn genetic diseases. Last evaluated: 2024-03-19. Review status: criteria provided, single submitter. Criteria: Ambry Variant Classification Scheme 2023. Collection method: clinical testing. Allele origin: germline.